The following is an entry in ClinVar:

NM_001395460.1(TENM2):c.1614C>T (p.Ala538=)

Gene: TENM2 (teneurin transmembrane protein 2; plus strand). Cytogenetic location: 5q34.
Variant type: single nucleotide variant.
Coding change: c.1614C>T on transcript NM_001395460.1 (MANE Select); coding-DNA position 1614, C replaced by T.
Protein change: p.Ala538=; no amino-acid change (alanine 538 retained).
Molecular consequence: synonymous variant.
Genome position (GRCh38, 1-based): chr5:168,090,672, C>T. VCF-style: chr5-168090672-C-T. GRCh37 (hg19) VCF-style: chr5-167517677-C-T.
Other names: c.918C>T, p.Ala306= (NM_001080428.3); c.1614C>T, p.Ala538= (NM_001122679.2); c.1158C>T, p.Ala386= (NM_001368145.1, NM_001368146.1).
Identifiers: ClinVar variation 3387845 (VCV003387845.14).
Genomic context (GRCh38, chr5:168,090,672, plus strand): 5'-GAGTGTGGTTGAGTCTCCCAGGGAACGCCGGAGCATACAGACCTTGGTTCAGAATGAAGC[C>T]GTGTTTGTGCAGTACCTGGATGTGGGCCTGTGGCATCTGGCCTTCTACAATGATGGAAAA-3'
Protein context (NP_001382389.1, residues 528-548): RSIQTLVQNE[Ala538=]VFVQYLDVGL

ClinVar aggregate classification (germline): Likely benign (1 of 4 stars; one submission).

gnomAD v4.1: 8,462 of 1,613,778 alleles (0.52%); highest among the groups gnomAD compares: Non-Finnish European, 0.65%; 30 homozygotes.

Submission:

CeGaT Center for Human Genetics Tuebingen
Classification: Likely benign. Last evaluated: 2024-09-01. Review status: criteria provided, single submitter. Criteria: CeGaT Center For Human Genetics Tuebingen Variant Classification Criteria Version 2. Collection method: clinical testing. Allele origin: germline. Affected: yes. Observed: 1 variant allele.
Comment: TENM2: BP4, BP7, BS2